The following is an entry in ClinVar:

NM_199420.4(POLQ):c.2900G>C (p.Ser967Thr)

Gene: POLQ (DNA polymerase theta; minus strand). Cytogenetic location: 3q13.33.
Variant type: single nucleotide variant.
Coding change: c.2900G>C on transcript NM_199420.4 (MANE Select); coding-DNA position 2900, G replaced by C.
Protein change: p.Ser967Thr; replaces serine 967 with threonine.
Molecular consequence: missense variant.
Genome position (GRCh38, 1-based): chr3:121,490,031, C>G on the plus strand (G>C on the coding strand, the complement: POLQ is on the minus strand). VCF-style: chr3-121490031-C-G. GRCh37 (hg19) VCF-style: chr3-121208878-C-G.
Other names: short protein forms S967T.
Identifiers: ClinVar variation 1797451 (VCV001797451.2), dbSNP rs2108798995, ClinGen allele CA354104026.
Genomic context (GRCh38, chr3:121,490,031, plus strand): 5'-CTGAAAATGGAACATGTCTGATGTTCTTGATTCCCATTCTGGAAATTACAATTAAAGGAA[C>G]TTGTATGCTCTCTACTTTTATTTAAGTCTTGCACTATATTTGGTGAATGCTTAATATAAG-3'
Protein context (NP_955452.3, residues 957-977): QDLNKSREHT[Ser967Thr]SFNCNFQNGN

ClinVar aggregate classification (germline): Uncertain significance (1 of 4 stars; one submission).

Submission:

Ambry Genetics
Classification: Uncertain significance. Last evaluated: 2022-03-08. Review status: criteria provided, single submitter. Criteria: Ambry Variant Classification Scheme 2023. Collection method: clinical testing. Allele origin: germline.
Comment: The p.S967T variant (also known as c.2900G>C), located in coding exon 16 of the POLQ gene, results from a G to C substitution at nucleotide position 2900. The serine at codon 967 is replaced by threonine, an amino acid with similar properties. This amino acid position is conserved. In addition, this alteration is predicted to be tolerated by in silico analysis. Since supporting evidence is limited at this time, the clinical significance of this alteration remains unclear.